The following is an entry in ClinVar:

ClinVar aggregate classification (germline): Uncertain significance (1 of 4 stars; one submission).

gnomAD v4.1: 21 of 1,591,706 alleles (0.0013%); highest among the groups gnomAD compares: Non-Finnish European, 0.0017%; no homozygotes.

Submission:

Labcorp Genetics (formerly Invitae), Labcorp
Classification: Uncertain significance. Last evaluated: 2026-01-27. Review status: criteria provided, single submitter. Criteria: Invitae Variant Classification Sherloc (09022015). Collection method: clinical testing. Allele origin: germline.
Comment: This sequence change replaces threonine, which is neutral and polar, with proline, which is neutral and non-polar, at codon 61 of the GINS1 protein (p.Thr61Pro). This variant is present in population databases (rs762444035, gnomAD 0.003%). This variant has not been reported in the literature in individuals affected with GINS1-related conditions. ClinVar contains an entry for this variant (Variation ID: 1919672). An algorithm developed to predict the effect of missense changes on protein structure and function (PolyPhen-2) suggests that this variant is likely to be tolerated. In summary, the available evidence is currently insufficient to determine the role of this variant in disease. Therefore, it has been classified as a Variant of Uncertain Significance.

NM_021067.5(GINS1):c.181A>C (p.Thr61Pro)

Gene: GINS1 (GINS complex subunit 1; plus strand). Cytogenetic location: 20p11.21.
Variant type: single nucleotide variant.
Coding change: c.181A>C on transcript NM_021067.5 (MANE Select); coding-DNA position 181, A replaced by C.
Protein change: p.Thr61Pro; replaces threonine 61 with proline.
Molecular consequence: missense variant. On other transcripts: non-coding transcript variant (1).
Genome position (GRCh38, 1-based): chr20:25,417,144, A>C. VCF-style: chr20-25417144-A-C. GRCh37 (hg19) VCF-style: chr20-25397780-A-C.
Other names: c.181A>C, p.Thr61Pro (NM_001410830.1); short protein forms T61P.
Identifiers: ClinVar variation 1919672 (VCV001919672.5), dbSNP rs762444035, ClinGen allele CA9796451.